The following is an entry in ClinVar:

ClinVar aggregate classification (germline): Likely benign. Review status: reviewed by expert panel (3 of 4 stars). 4 submissions from 4 submitters: Likely benign (1). 3 of the submissions do not count toward it. Last evaluated 2024-06-24.

Conditions:
Hereditary thrombocytopenia and hematologic cancer predisposition syndrome. Identifiers: Orphanet 71290, MedGen CN281654, MONDO:0011071.
Hereditary thrombocytopenia and hematological cancer predisposition syndrome associated with RUNX1. Also called: RUNX1 Familial Platelet Disorder with Associated Myeloid Malignancies; PLATELET DISORDER, ASPIRIN-LIKE; Familial Platelet Disorder with Propensity to Acute Myelogenous Leukemia; Familial thrombocytopenia with propensity to acute myelogenous leukemia. Identifiers: Orphanet 71290, MedGen C1832388, MeSH C563324, MONDO:0100083, OMIM 601399.
Inborn genetic diseases. Identifiers: MedGen C0950123, MeSH D030342.

Allele frequency attached by ClinVar (database versions not stated): gnomAD exomes below 0.00001; TOPMed below 0.00001; gnomAD 0.00001.
gnomAD v4.1: 7 of 1,611,312 alleles (0.00043%); highest among the groups gnomAD compares: African/African-American, 0.0027%; no homozygotes.

Submissions (4):

ClinGen Myeloid Malignancy Variant Curation Expert Panel
Classification: Likely benign for Hereditary thrombocytopenia and hematologic cancer predisposition syndrome. Last evaluated: 2024-06-24. Review status: reviewed by expert panel. Criteria: ClinGen MyeloMalig ACMG Specifications v2. Collection method: curation. Allele origin: germline. Inheritance: Autosomal dominant inheritance.
Comment: NM_001754.5(RUNX1):c.231C>T (p.Ser77=) is a synonymous variant which has a MAF of 0.00001 (0.001%, 108718/243164, 1 allele) in the European (Non-Finnish) subpopulations of the gnomAD cohort, which is between 0.00015 (0.015%) and 0.0015 (0.15%) (BS1). No splicing impact or creation of cryptic splice sites is predicted by SSF and MES. SpliceAI predicts no impact to splicing (score: 0.00) (BP4). This variant was reported in ClinVar in 2022 by Invitae, but the affected status of the proband is unknown (Variation ID 861921). In summary, this variant meets criteria to be classified as likely benign. ACMG/AMP criteria applied, as specified by the Myeloid Malignancy Variant Curation Expert Panel for RUNX1: BS1, BP4.

Ambry Genetics
Classification: Likely benign for Inborn genetic diseases. Last evaluated: 2024-12-12. Review status: criteria provided, single submitter. Criteria: Ambry Variant Classification Scheme 2023. Collection method: clinical testing. Allele origin: germline. Not counted in ClinVar's aggregate classification.

Labcorp Genetics (formerly Invitae), Labcorp
Classification: Likely benign for Hereditary thrombocytopenia and hematological cancer predisposition syndrome associated with RUNX1. Last evaluated: 2024-08-31. Review status: criteria provided, single submitter. Criteria: Invitae Variant Classification Sherloc (09022015). Collection method: clinical testing. Allele origin: germline. Not counted in ClinVar's aggregate classification.

GeneDx
Classification: Uncertain significance. Last evaluated: 2024-03-01. Review status: criteria provided, single submitter. Criteria: GeneDx Variant Classification Process June 2021. Collection method: clinical testing. Allele origin: germline. Affected: yes. Not counted in ClinVar's aggregate classification.
Comment: Not observed at significant frequency in large population cohorts (gnomAD); In silico analysis supports that this variant does not alter splicing; Has not been previously published as pathogenic or benign to our knowledge

NM_001754.5(RUNX1):c.231C>T (p.Ser77=)

Gene: RUNX1 (RUNX family transcription factor 1; minus strand). Cytogenetic location: 21q22.12.
Variant type: single nucleotide variant.
Coding change: c.231C>T on transcript NM_001754.5 (MANE Select); coding-DNA position 231, C replaced by T.
Protein change: p.Ser77=; no amino-acid change (serine 77 retained).
Molecular consequence: synonymous variant.
Genome position (GRCh38, 1-based): chr21:34,886,963, G>A on the plus strand (C>T on the coding strand, the complement: RUNX1 is on the minus strand). VCF-style: chr21-34886963-G-A. GRCh37 (hg19) VCF-style: chr21-36259260-G-A.
Other names: NM_001754.5(RUNX1):c.231C>T; p.Ser77=; c.150C>T, p.Ser50= (NM_001001890.3, NM_001122607.2).
Identifiers: ClinVar variation 861921 (VCV000861921.12), dbSNP rs1329847140, ClinGen allele CA512318903.
Genomic context (GRCh38, chr21:34,886,963, plus strand): 5'-GAAGTTGGGGCTGTCGGTGCGCACCAGCTCGCCCGGGTGGTCGGCCAGCACCTCCACCAT[G>A]CTGCGGTCGCCGCTCCTCAGCTTGCCGGCCAGGGCAGCGCCGGCGTCCGGGGCGCCCAGC-3'
Protein context (NP_001745.2, residues 67-87): LAGKLRSGDR[Ser77=]MVEVLADHPG